The following is an entry in ClinVar:

ClinVar aggregate classification (germline): Affects (0 of 4 stars; one submission).

Conditions:
ABO blood group system. Also called: ABO BLOOD GROUP SYSTEM, O PHENOTYPE; ABO BLOOD GROUP SYSTEM, A/B POLYMORPHISM; ABO BLOOD GROUP SYSTEM, A2 PHENOTYPE; ABO BLOOD GROUP SYSTEM, CIS-AB PHENOTYPE; ABO BLOOD GROUP SYSTEM, B(A) PHENOTYPE. Identifiers: MedGen C0000778, OMIM 616093, HP:0032224.

Submission:

Blood Transfusion Service Zurich, Swiss Red Cross
Classification: Affects for ABO blood group system. Last evaluated: 2022-05-01. Review status: no assertion criteria provided. Collection method: research. Allele origin: inherited. Inheritance: Codominant. Affected: yes. Observed: 2 variant alleles, 2 heterozygotes.
Comment: This intronic variant lies in the 8 bp RUNX1-binding site motif. It results in weak or partial expression of either A or B antigen on red blood cells (ABO blood group A3 or B3 phenotype).

Literature cited by the submitters: PubMed 34651317.

NM_020469.3(ABO):c.28+5871C>A

Genes: ABO (ABO, alpha 1-3-N-acetylgalactosaminyltransferase and alpha 1-3-galactosyltransferase; minus strand), LOC112679198 (ABO +5.8 intron 1 enhancer; plus strand). Cytogenetic location: 9q34.2.
Variant type: single nucleotide variant.
Coding change: c.28+5871C>A on transcript NM_020469.3; 5871 bases into the intron after coding-DNA position 28, C replaced by A.
Genome position (GRCh38, 1-based): chr9:133,269,291, G>T on the plus strand (C>A on the coding strand, the complement: ABO is on the minus strand). VCF-style: chr9-133269291-G-T. GRCh37 (hg19) VCF-style: chr9-136144703-G-T.
Identifiers: ClinVar variation 1707607 (VCV001707607.3), dbSNP rs2490441566, ClinGen allele CA2580079915.